The following is an entry in ClinVar:

NM_017514.5(PLXNA3):c.3323T>C (p.Val1108Ala)

Gene: PLXNA3 (plexin A3; plus strand). Cytogenetic location: Xq28.
Variant type: single nucleotide variant.
Coding change: c.3323T>C on transcript NM_017514.5 (MANE Select); coding-DNA position 3323, T replaced by C.
Protein change: p.Val1108Ala; replaces valine 1108 with alanine.
Molecular consequence: missense variant.
Genome position (GRCh38, 1-based): chrX:154,467,353, T>C. VCF-style: chrX-154467353-T-C. GRCh37 (hg19) VCF-style: chrX-153695696-T-C.
Other names: short protein forms V1108A.
Identifiers: ClinVar variation 3027014 (VCV003027014.22), dbSNP rs2523086426, ClinGen allele CA415244915.
Genomic context (GRCh38, chrX:154,467,353, plus strand): 5'-GGCCCCAGCCTCGGGCGCAAGGCGAGCACCCTGATGAGTTTGGCTTCCTGCTGGACCACG[T>C]GCAAACGGCCCGCTCCCTCAACCGCTCCTCCTTTACCTACTACCCTGATCCCAGCTTTGA-3'
Protein context (NP_059984.3, residues 1098-1118): PDEFGFLLDH[Val1108Ala]QTARSLNRSS

ClinVar aggregate classification (germline): Uncertain significance (1 of 4 stars; one submission).

Allele frequency attached by ClinVar (database versions not stated): gnomAD exomes below 0.00001.
gnomAD v4.1: 1 of 1,205,295 alleles (0.000083%); highest among the groups gnomAD compares: East Asian, 0.003%; no homozygotes.

Submission:

CeGaT Center for Human Genetics Tuebingen
Classification: Uncertain significance. Last evaluated: 2024-01-01. Review status: criteria provided, single submitter. Criteria: CeGaT Center For Human Genetics Tuebingen Variant Classification Criteria Version 2. Collection method: clinical testing. Allele origin: germline. Affected: yes. Observed: 1 variant allele.
Comment: PLXNA3: PM2, PP3